The following is an entry in ClinVar:

ClinVar aggregate classification (germline): Benign. Review status: criteria provided, multiple submitters, no conflicts (2 of 4 stars). 12 submissions from 12 submitters: Benign (8). 4 of the submissions do not count toward it. Last evaluated 2026-02-02.

Conditions:
Collagen 6-related myopathy. Identifiers: MedGen CN117976, MONDO:0100225.
Bethlem myopathy 1A. Also called: MYOPATHY, BENIGN CONGENITAL, WITH CONTRACTURES; Bethlem myopathy 1; Bethlem Muscular Dystrophy. Identifiers: Orphanet 610, MedGen CN029274, MONDO:0024530, OMIM 158810.

Allele frequency attached by ClinVar (database versions not stated): ESP Exome Variant Server 0.00115; 1000 Genomes Project 30x 0.02670; TOPMed 0.01095; 1000 Genomes Project 0.02656.
gnomAD v4.1: 14,266 of 1,612,522 alleles (0.88%); highest among the groups gnomAD compares: Admixed American, 9.4%; 533 homozygotes.

Submissions (12):

Labcorp Genetics (formerly Invitae), Labcorp
Classification: Benign for Bethlem myopathy 1A. Last evaluated: 2026-02-02. Review status: criteria provided, single submitter. Criteria: Invitae Variant Classification Sherloc (09022015). Collection method: clinical testing. Allele origin: germline.

Mayo Clinic Laboratories, Mayo Clinic
Classification: Benign. Last evaluated: 2019-01-25. Review status: criteria provided, single submitter. Criteria: ACMG Guidelines, 2015. Collection method: clinical testing. Allele origin: germline. Observed: 14 variant alleles.

Athena Diagnostics
Classification: Benign. Last evaluated: 2018-06-26. Review status: criteria provided, single submitter. Criteria: Athena Diagnostics Criteria. Collection method: clinical testing. Allele origin: germline.

Illumina Laboratory Services, Illumina
Classification: Benign for Collagen VI-related myopathy. Last evaluated: 2018-03-06. Review status: criteria provided, single submitter. Criteria: ICSL Variant Classification Criteria 13 December 2019. Collection method: clinical testing. Allele origin: germline.
Comment: This variant was observed in the ICSL laboratory as part of a predisposition screen in an ostensibly healthy population. It had not been previously curated by ICSL or reported in the Human Gene Mutation Database (HGMD: prior to June 1st, 2018), and was therefore a candidate for classification through an automated scoring system. Utilizing variant allele frequency, disease prevalence and penetrance estimates, and inheritance mode, an automated score was calculated to assess if this variant is too frequent to cause the disease. Based on the score and internal cut-off values, a variant classified as benign is not then subjected to further curation. The score for this variant resulted in a classification of benign for this disease.

GeneDx
Classification: Benign. Last evaluated: 2016-03-18. Review status: criteria provided, single submitter. Criteria: GeneDx Variant Classification (06012015). Collection method: clinical testing. Allele origin: germline. Affected: yes.
Comment: This variant is considered likely benign or benign based on one or more of the following criteria: it is a conservative change, it occurs at a poorly conserved position in the protein, it is predicted to be benign by multiple in silico algorithms, and/or has population frequency not consistent with disease.

Eurofins Ntd Llc (ga)
Classification: Benign. Last evaluated: 2014-02-14. Review status: criteria provided, single submitter. Criteria: EGL Classification Definitions 2015. Collection method: clinical testing. Allele origin: germline. Observed: 5 variant alleles, 5 heterozygotes.

Breakthrough Genomics
Classification: Benign. Review status: criteria provided, single submitter. Criteria: ACMG Guidelines, 2015. Collection method: not provided. Allele origin: germline. Inheritance: Autosomal recessive inheritance. Affected: yes.

PreventionGenetics, part of Exact Sciences
Classification: Benign. Review status: criteria provided, single submitter. Criteria: ACMG Guidelines, 2015. Collection method: clinical testing. Allele origin: germline.

Clinical Genetics, Academic Medical Center
Classification: Benign. Review status: no assertion criteria provided. Collection method: clinical testing. Allele origin: germline. Affected: yes. Study: VKGL Data-share Consensus. Not counted in ClinVar's aggregate classification.

Genetic Services Laboratory, University of Chicago
Classification: Likely benign for AllHighlyPenetrant. Review status: no assertion criteria provided. Collection method: clinical testing. Allele origin: germline. Not counted in ClinVar's aggregate classification.
Comment: Likely benign based on allele frequency in 1000 Genomes Project or ESP global frequency and its presence in a patient with a rare or unrelated disease phenotype. NOT Sanger confirmed.

Genome Diagnostics Laboratory, University Medical Center Utrecht
Classification: Likely benign. Review status: no assertion criteria provided. Collection method: clinical testing. Allele origin: germline. Affected: yes. Study: VKGL Data-share Consensus. Not counted in ClinVar's aggregate classification.

Laboratory of Diagnostic Genome Analysis, Leiden University Medical Center (LUMC)
Classification: Likely benign. Review status: no assertion criteria provided. Collection method: clinical testing. Allele origin: germline. Affected: yes. Study: VKGL Data-share Consensus. Not counted in ClinVar's aggregate classification.

Literature cited by the submitters: PubMed 15563506 (cited by Athena Diagnostics); PubMed 15689448 (cited by Athena Diagnostics); PubMed 16935502 (cited by Athena Diagnostics).

NM_004369.4(COL6A3):c.2488G>T (p.Ala830Ser)

Gene: COL6A3 (collagen type VI alpha 3 chain; minus strand). Cytogenetic location: 2q37.3.
Variant type: single nucleotide variant.
Coding change: c.2488G>T on transcript NM_004369.4 (MANE Select); coding-DNA position 2488, G replaced by T.
Protein change: p.Ala830Ser; replaces alanine 830 with serine.
Molecular consequence: missense variant. On other transcripts: intron variant (1).
Genome position (GRCh38, 1-based): chr2:237,378,645, C>A on the plus strand (G>T on the coding strand, the complement: COL6A3 is on the minus strand). VCF-style: chr2-237378645-C-A. GRCh37 (hg19) VCF-style: chr2-238287288-C-A.
Other names: c.1267G>T, p.Ala423Ser (NM_057164.5); c.1870G>T, p.Ala624Ser (NM_057165.5, NM_057167.4); c.677-1301G>T (NM_057166.5); short protein forms A624S, A423S.
Identifiers: ClinVar variation 94916 (VCV000094916.26), dbSNP rs77181645, ClinGen allele CA147934.
Genomic context (GRCh38, chr2:237,378,645, plus strand): 5'-GGGTGGTGTCTGAGGAAGGAGAGGGAGTTCCCGGCAACAGGGGAGGTTTACCTGGCTGAG[C>A]GAGTGGTACTTCCTCCACACCTCCACTAACATATGTGGTTAGGGGCTGAATCAGCTGCTG-3'
Protein context (NP_004360.2, residues 820-840): VSGGVEEVPL[Ala830Ser]QPESKRDILF